The following is an entry in ClinVar:

ClinVar aggregate classification (germline): Uncertain significance (1 of 4 stars; one submission).

gnomAD v4.1: 1 of 1,613,890 alleles (0.000062%); highest among the groups gnomAD compares: African/African-American, 0.0013%; no homozygotes.

Submission:

Labcorp Genetics (formerly Invitae), Labcorp
Classification: Uncertain significance. Last evaluated: 2025-09-14. Review status: criteria provided, single submitter. Criteria: Invitae Variant Classification Sherloc (09022015). Collection method: clinical testing. Allele origin: germline.
Comment: This sequence change replaces aspartic acid, which is acidic and polar, with alanine, which is neutral and non-polar, at codon 550 of the RERE protein (p.Asp550Ala). This variant is not present in population databases (gnomAD no frequency). This variant has not been reported in the literature in individuals affected with RERE-related conditions. Invitae Evidence Modeling of protein sequence and biophysical properties (such as structural, functional, and spatial information, amino acid conservation, physicochemical variation, residue mobility, and thermodynamic stability) has been performed for this missense variant. However, the output from this modeling did not meet the statistical confidence thresholds required to predict the impact of this variant on RERE protein function. In summary, the available evidence is currently insufficient to determine the role of this variant in disease. Therefore, it has been classified as a Variant of Uncertain Significance.

NM_001042681.2(RERE):c.1649A>C (p.Asp550Ala)

Gene: RERE (arginine-glutamic acid dipeptide repeats; minus strand). Cytogenetic location: 1p36.23.
Variant type: single nucleotide variant.
Coding change: c.1649A>C on transcript NM_001042681.2 (MANE Select); coding-DNA position 1649, A replaced by C.
Protein change: p.Asp550Ala; replaces aspartic acid 550 with alanine.
Molecular consequence: missense variant. On other transcripts: 5 prime UTR variant (1).
Genome position (GRCh38, 1-based): chr1:8,364,147, T>G on the plus strand (A>C on the coding strand, the complement: RERE is on the minus strand). VCF-style: chr1-8364147-T-G. GRCh37 (hg19) VCF-style: chr1-8424207-T-G.
Other names: c.-14A>C (NM_001042682.2); c.1649A>C, p.Asp550Ala (NM_012102.4); short protein forms D550A.
Identifiers: ClinVar variation 4762804 (VCV004762804.1).